The following is an entry in ClinVar:

NM_001953.5(TYMP):c.61G>T (p.Glu21Ter)

Gene: TYMP (thymidine phosphorylase; minus strand). Cytogenetic location: 22q13.33.
Variant type: single nucleotide variant.
Coding change: c.61G>T on transcript NM_001953.5 (MANE Select); coding-DNA position 61, G replaced by T.
Protein change: p.Glu21Ter; replaces glutamic acid 21 with a stop codon.
Molecular consequence: nonsense.
Genome position (GRCh38, 1-based): chr22:50,529,649, C>A on the plus strand (G>T on the coding strand, the complement: TYMP is on the minus strand). VCF-style: chr22-50529649-C-A. GRCh37 (hg19) VCF-style: chr22-50968078-C-A.
Other names: c.61G>T, p.Glu21Ter (NM_001113755.3, NM_001113756.3, NM_001257988.1 and 1 more transcripts); c.61G>T (NM_001953.4); short protein forms E21*.
Identifiers: ClinVar variation 2789335 (VCV002789335.4), dbSNP rs778914092, ClinGen allele CA412203001.
Genomic context (GRCh38, chr22:50,529,649, plus strand): 5'-GGATCAGCTCCGGGAGCTGCTTGGGCTCTGGCGAAGGGTCGGGAAGTCCCTGGCTCCCTT[C>A]CCCGGAGAAGTCACCAGGCGCGGGTGGGGCCCCGGTTCCCGGGGTCATCAAGGCTGCCAT-3'

ClinVar aggregate classification (germline): Pathogenic/Likely pathogenic. Review status: criteria provided, multiple submitters, no conflicts (2 of 4 stars). 2 submissions from 2 submitters: Pathogenic (1); Likely pathogenic (1). Last evaluated 2025-04-28.

Conditions:
Mitochondrial neurogastrointestinal encephalomyopathy. Also called: Mitochondrial neurogastrointestinal encephalopathy syndrome; MNGIE syndrome; Thymidine phosphorylase deficiency. Identifiers: Orphanet 298, MedGen C0872218, MONDO:0017575.

Submissions (2):

Natera, Inc.
Classification: Likely pathogenic for Mitochondrial neurogastrointestinal encephalomyopathy. Last evaluated: 2025-04-28. Review status: criteria provided, single submitter. Criteria: Natera Variant Classification Schema (03/2026). Collection method: clinical testing. Allele origin: germline.
Comment: The c.61G>T variant in TYMP is a nonsense variant predicted to introduce a stop codon at amino acid 21. This variant is expected to result in nonsense mediated decay, truncation, or a dysfunctional protein product. This variant is rare in the general population with a frequency below the threshold expected for the associated phenotype(s). Given the available evidence, this variant is classified as Likely Pathogenic.

Labcorp Genetics (formerly Invitae), Labcorp
Classification: Pathogenic. Last evaluated: 2023-02-07. Review status: criteria provided, single submitter. Criteria: Invitae Variant Classification Sherloc (09022015). Collection method: clinical testing. Allele origin: germline.
Comment: This sequence change creates a premature translational stop signal (p.Glu21*) in the TYMP gene. It is expected to result in an absent or disrupted protein product. Loss-of-function variants in TYMP are known to be pathogenic (PMID: 9924029, 15781193). This variant is not present in population databases (gnomAD no frequency). This variant has not been reported in the literature in individuals affected with TYMP-related conditions. Algorithms developed to predict the effect of sequence changes on RNA splicing suggest that this variant may create or strengthen a splice site. For these reasons, this variant has been classified as Pathogenic.

Literature cited by the submitters: PubMed 9924029 (cited by Labcorp Genetics (formerly Invitae), Labcorp); PubMed 15781193 (cited by Labcorp Genetics (formerly Invitae), Labcorp).